The following is an entry in ClinVar:

ClinVar aggregate classification (germline): Uncertain significance. Review status: criteria provided, multiple submitters, no conflicts (2 of 4 stars). 2 submissions from 2 submitters: Uncertain significance (2). Last evaluated 2025-04-29.

Conditions:
Neurodevelopmental disorder with seizures and nonepileptic hyperkinetic movements. Identifiers: MedGen C5193128, MONDO:0032784, OMIM 618497.

Allele frequency attached by ClinVar (database versions not stated): gnomAD 0.00005; gnomAD exomes below 0.00001; TOPMed 0.00002.
gnomAD v4.1: 13 of 1,608,184 alleles (0.00081%); highest among the groups gnomAD compares: African/African-American, 0.017%; no homozygotes.

Submissions (2):

Labcorp Genetics (formerly Invitae), Labcorp
Classification: Uncertain significance. Last evaluated: 2025-04-29. Review status: criteria provided, single submitter. Criteria: Invitae Variant Classification Sherloc (09022015). Collection method: clinical testing. Allele origin: germline.
Comment: This sequence change replaces lysine, which is basic and polar, with methionine, which is neutral and non-polar, at codon 1050 of the CACNA1B protein (p.Lys1050Met). The frequency data for this variant in the population databases is considered unreliable, as metrics indicate poor data quality at this position in the gnomAD database. This variant has not been reported in the literature in individuals affected with CACNA1B-related conditions. ClinVar contains an entry for this variant (Variation ID: 2439641). Invitae Evidence Modeling of protein sequence and biophysical properties (such as structural, functional, and spatial information, amino acid conservation, physicochemical variation, residue mobility, and thermodynamic stability) indicates that this missense variant is not expected to disrupt CACNA1B protein function with a negative predictive value of 80%. In summary, the available evidence is currently insufficient to determine the role of this variant in disease. Therefore, it has been classified as a Variant of Uncertain Significance.

Revvity Omics, Revvity
Classification: Uncertain significance for Neurodevelopmental disorder with seizures and nonepileptic hyperkinetic movements. Last evaluated: 2021-01-06. Review status: criteria provided, single submitter. Criteria: ACMG Guidelines, 2015. Collection method: clinical testing. Allele origin: germline.

NM_000718.4(CACNA1B):c.3149A>T (p.Lys1050Met)

Gene: CACNA1B (calcium voltage-gated channel subunit alpha1 B; plus strand). Cytogenetic location: 9q34.3.
Variant type: single nucleotide variant.
Coding change: c.3149A>T on transcript NM_000718.4 (MANE Select); coding-DNA position 3149, A replaced by T.
Protein change: p.Lys1050Met; replaces lysine 1050 with methionine.
Molecular consequence: missense variant.
Genome position (GRCh38, 1-based): chr9:138,025,035, A>T. VCF-style: chr9-138025035-A-T. GRCh37 (hg19) VCF-style: chr9-140919487-A-T.
Other names: c.3149A>T, p.Lys1050Met (NM_001243812.2); short protein forms K1050M.
Identifiers: ClinVar variation 2439641 (VCV002439641.5), dbSNP rs1002319771, ClinGen allele CA201831300.
Genomic context (GRCh38, chr9:138,025,035, plus strand): 5'-AGACCAGTGGGACTGTGACTGTGGGTCCCATGCACACACTGCCCAGCACCTGTCTCCAGA[A>T]GGTGGAGGAACAGCCAGAGGATGCAGACAATCAGCGGAACGTCACTCGCATGGGCAGTCA-3'
Protein context (NP_000709.1, residues 1040-1060): MHTLPSTCLQ[Lys1050Met]VEEQPEDADN